The following is an entry in ClinVar:

ClinVar aggregate classification (germline): Uncertain significance (1 of 4 stars; one submission).

Submission:

GeneDx
Classification: Uncertain significance. Last evaluated: 2024-11-14. Review status: criteria provided, single submitter. Criteria: GeneDx Variant Classification Process June 2021. Collection method: clinical testing. Allele origin: germline. Affected: yes.
Comment: Not observed at significant frequency in large population cohorts (gnomAD); In silico analysis supports that this missense variant has a deleterious effect on protein structure/function; Has not been previously published as pathogenic or benign to our knowledge

NM_001020658.2(PUM1):c.2512A>G (p.Asn838Asp)

Gene: PUM1 (pumilio RNA binding family member 1; minus strand). Cytogenetic location: 1p35.2.
Variant type: single nucleotide variant.
Coding change: c.2512A>G on transcript NM_001020658.2 (MANE Select); coding-DNA position 2512, A replaced by G.
Protein change: p.Asn838Asp; replaces asparagine 838 with aspartic acid.
Molecular consequence: missense variant.
Genome position (GRCh38, 1-based): chr1:30,953,793, T>C on the plus strand (A>G on the coding strand, the complement: PUM1 is on the minus strand). VCF-style: chr1-30953793-T-C. GRCh37 (hg19) VCF-style: chr1-31426640-T-C.
Other names: c.2512A>G, p.Asn838Asp (NM_014676.3); short protein forms N838D.
Identifiers: ClinVar variation 3899784 (VCV003899784.1).